The following is an entry in ClinVar:

ClinVar aggregate classification (germline): Likely benign (1 of 4 stars; one submission).

Allele frequency attached by ClinVar (database versions not stated): ExAC 0.00001; gnomAD 0.00002; TOPMed 0.00002.
gnomAD v4.1: 10 of 1,612,490 alleles (0.00062%); highest among the groups gnomAD compares: African/African-American, 0.004%; no homozygotes.

Submission:

CeGaT Center for Human Genetics Tuebingen
Classification: Likely benign. Last evaluated: 2023-03-01. Review status: criteria provided, single submitter. Criteria: CeGaT Center For Human Genetics Tuebingen Variant Classification Criteria Version 2. Collection method: clinical testing. Allele origin: germline. Affected: yes. Observed: 1 variant allele.
Comment: MYOM3: BP4, BP7

NM_152372.4(MYOM3):c.3513G>A (p.Thr1171=)

Gene: MYOM3 (myomesin 3; minus strand). Cytogenetic location: 1p36.11.
Variant type: single nucleotide variant.
Coding change: c.3513G>A on transcript NM_152372.4 (MANE Select); coding-DNA position 3513, G replaced by A.
Protein change: p.Thr1171=; no amino-acid change (threonine 1171 retained).
Molecular consequence: synonymous variant.
Genome position (GRCh38, 1-based): chr1:24,065,912, C>T on the plus strand (G>A on the coding strand, the complement: MYOM3 is on the minus strand). VCF-style: chr1-24065912-C-T. GRCh37 (hg19) VCF-style: chr1-24392402-C-T.
Identifiers: ClinVar variation 2638488 (VCV002638488.24), dbSNP rs765255132, ClinGen allele CA687321.